The following is an entry in ClinVar:

NM_006035.4(CDC42BPB):c.3502A>G (p.Thr1168Ala)

Gene: CDC42BPB (CDC42 binding protein kinase beta; minus strand). Cytogenetic location: 14q32.32.
Variant type: single nucleotide variant.
Coding change: c.3502A>G on transcript NM_006035.4 (MANE Select); coding-DNA position 3502, A replaced by G.
Protein change: p.Thr1168Ala; replaces threonine 1168 with alanine.
Molecular consequence: missense variant.
Genome position (GRCh38, 1-based): chr14:102,947,750, T>C on the plus strand (A>G on the coding strand, the complement: CDC42BPB is on the minus strand). VCF-style: chr14-102947750-T-C. GRCh37 (hg19) VCF-style: chr14-103414087-T-C.
Other names: c.3424A>G, p.Thr1142Ala (NM_001411054.1); short protein forms T1142A, T1168A.
Identifiers: ClinVar variation 4608405 (VCV004608405.2).

ClinVar aggregate classification (germline): Conflicting classifications of pathogenicity. Review status: criteria provided, conflicting classifications (1 of 4 stars). 2 submissions from 2 submitters: Uncertain significance (1); Likely benign (1). Last evaluated 2026-07-01.

Conditions:
Inborn genetic diseases. Identifiers: MedGen C0950123, MeSH D030342.

gnomAD v4.1: 70 of 1,612,424 alleles (0.0043%); highest among the groups gnomAD compares: Non-Finnish European, 0.0057%; no homozygotes.

Submissions (2):

CeGaT Center for Human Genetics Tuebingen
Classification: Likely benign. Last evaluated: 2026-07-01. Review status: criteria provided, single submitter. Criteria: CeGaT Center For Human Genetics Tuebingen Variant Classification Criteria Version 2. Collection method: clinical testing. Allele origin: germline. Affected: yes. Observed: 1 variant allele.
Comment: CDC42BPB: BP4, BS1

Ambry Genetics
Classification: Uncertain significance for Inborn genetic diseases. Last evaluated: 2025-10-24. Review status: criteria provided, single submitter. Criteria: Ambry Variant Classification Scheme 2023. Collection method: clinical testing. Allele origin: germline.